The following is an entry in ClinVar:

NM_006059.4(LAMC3):c.3927+8C>G

Gene: LAMC3 (laminin subunit gamma 3; plus strand). Cytogenetic location: 9q34.12.
Variant type: single nucleotide variant.
Coding change: c.3927+8C>G on transcript NM_006059.4 (MANE Select); 8 bases into the intron after coding-DNA position 3927, C replaced by G.
Molecular consequence: intron variant.
Genome position (GRCh38, 1-based): chr9:131,079,306, C>G. VCF-style: chr9-131079306-C-G. GRCh37 (hg19) VCF-style: chr9-133954693-C-G.
Identifiers: ClinVar variation 195763 (VCV000195763.16), dbSNP rs148008251, ClinGen allele CA201927.

ClinVar aggregate classification (germline): Benign/Likely benign. Review status: criteria provided, multiple submitters, no conflicts (2 of 4 stars). 4 submissions from 4 submitters: Benign (2); Likely benign (2). Last evaluated 2026-01-26.

Conditions:
LAMC3-related disorder. Also called: LAMC3-related condition.

Allele frequency attached by ClinVar (database versions not stated): gnomAD exomes 0.00018 and 0.00057; ExAC 0.00069; 1000 Genomes Project 0.00180; 1000 Genomes Project 30x 0.00187; gnomAD 0.00214 and 0.00228; TOPMed 0.00230; ESP Exome Variant Server 0.00238.
gnomAD v4.1: 603 of 1,613,986 alleles (0.037%); highest among the groups gnomAD compares: African/African-American, 0.73%; 1 homozygote.

Submissions (4):

Labcorp Genetics (formerly Invitae), Labcorp
Classification: Benign. Last evaluated: 2026-01-26. Review status: criteria provided, single submitter. Criteria: Invitae Variant Classification Sherloc (09022015). Collection method: clinical testing. Allele origin: germline.

PreventionGenetics, part of Exact Sciences
Classification: Likely benign for LAMC3-related condition. Last evaluated: 2025-02-06. Review status: criteria provided, single submitter. Criteria: ACMG Guidelines, 2015. Collection method: clinical testing. Allele origin: germline.
Comment: This variant is classified as likely benign based on ACMG/AMP sequence variant interpretation guidelines (Richards et al. 2015 PMID: 25741868, with internal and published modifications).

GeneDx
Classification: Likely benign. Last evaluated: 2017-09-29. Review status: criteria provided, single submitter. Criteria: GeneDx Variant Classification (06012015). Collection method: clinical testing. Allele origin: germline. Affected: yes.
Comment: This variant is considered likely benign or benign based on one or more of the following criteria: it is a conservative change, it occurs at a poorly conserved position in the protein, it is predicted to be benign by multiple in silico algorithms, and/or has population frequency not consistent with disease.

Eurofins Ntd Llc (ga)
Classification: Benign. Last evaluated: 2015-02-13. Review status: criteria provided, single submitter. Criteria: EGL Classification Definitions 2015. Collection method: clinical testing. Allele origin: germline. Observed: 1 variant allele, 1 heterozygote.